The following is an entry in ClinVar:

NM_024753.5(TTC21B):c.1223A>T (p.Lys408Ile)

Gene: TTC21B (tetratricopeptide repeat domain 21B; minus strand). Cytogenetic location: 2q24.3.
Variant type: single nucleotide variant.
Coding change: c.1223A>T on transcript NM_024753.5 (MANE Select); coding-DNA position 1223, A replaced by T.
Protein change: p.Lys408Ile; replaces lysine 408 with isoleucine.
Molecular consequence: missense variant.
Genome position (GRCh38, 1-based): chr2:165,929,298, T>A on the plus strand (A>T on the coding strand, the complement: TTC21B is on the minus strand). VCF-style: chr2-165929298-T-A. GRCh37 (hg19) VCF-style: chr2-166785808-T-A.
Other names: short protein forms K408I.
Identifiers: ClinVar variation 4998650 (VCV004998650.1).

ClinVar aggregate classification (germline): Uncertain significance (1 of 4 stars; one submission).

Conditions:
TTC21B-related disorder. Also called: TTC21B-related condition; TTC21B-related disorders.

Submission:

PreventionGenetics, part of Exact Sciences
Classification: Uncertain significance for TTC21B-related condition. Last evaluated: 2024-10-11. Review status: criteria provided, single submitter. Criteria: ACMG Guidelines, 2015. Collection method: clinical testing. Allele origin: germline.
Comment: The TTC21B c.1223A>T variant is predicted to result in the amino acid substitution p.Lys408Ile. To our knowledge, this variant has not been reported in the literature or in a large population database (gnomAD), indicating this variant is rare. At this time, the clinical significance of this variant is uncertain due to the absence of conclusive functional and genetic evidence.